The following is an entry in ClinVar:

ClinVar aggregate classification (germline): Uncertain significance (1 of 4 stars; one submission).

Conditions:
Inborn genetic diseases. Identifiers: MedGen C0950123, MeSH D030342.

gnomAD v4.1: 1 of 1,612,466 alleles (0.000062%); highest among the groups gnomAD compares: Non-Finnish European, 0.000085%; no homozygotes.

Submission:

Ambry Genetics
Classification: Uncertain significance for Inborn genetic diseases. Last evaluated: 2026-09-07. Review status: criteria provided, single submitter. Criteria: Ambry Variant Classification Scheme 2023. Collection method: clinical testing. Allele origin: germline.
Comment: The p.A222E variant (also known as c.665C>A), located in coding exon 6 of the DNMT3A gene, results from a C to A substitution at nucleotide position 665. The alanine at codon 222 is replaced by glutamic acid, an amino acid with dissimilar properties. This amino acid position is conserved. In addition, the in silico prediction for this alteration is inconclusive. Based on the available evidence, the clinical significance of this variant remains unclear.

NM_022552.5(DNMT3A):c.665C>A (p.Ala222Glu)

Gene: DNMT3A (DNA methyltransferase 3 alpha; minus strand). Cytogenetic location: 2p23.3.
Variant type: single nucleotide variant.
Coding change: c.665C>A on transcript NM_022552.5 (MANE Select); coding-DNA position 665, C replaced by A.
Protein change: p.Ala222Glu; replaces alanine 222 with glutamic acid.
Molecular consequence: missense variant. On other transcripts: 5 prime UTR variant (1), non-coding transcript variant (1).
Genome position (GRCh38, 1-based): chr2:25,248,227, G>T on the plus strand (C>A on the coding strand, the complement: DNMT3A is on the minus strand). VCF-style: chr2-25248227-G-T. GRCh37 (hg19) VCF-style: chr2-25471096-G-T.
Other names: c.209C>A, p.Ala70Glu (NM_001320893.1); c.-5C>A (NM_001375819.1); c.98C>A, p.Ala33Glu (NM_153759.3); c.665C>A, p.Ala222Glu (NM_175629.2); short protein forms A222E, A33E, A70E.
Identifiers: ClinVar variation 5035534 (VCV005035534.1).